The following is an entry in ClinVar:

ClinVar aggregate classification (germline): Benign. Review status: criteria provided, multiple submitters, no conflicts (2 of 4 stars). 5 submissions from 5 submitters: Benign (4). 1 of the submissions does not count toward it. Last evaluated 2026-01-19.

Conditions:
ZNF143-related disorder. Also called: ZNF143-related condition.

Allele frequency attached by ClinVar (database versions not stated): ExAC 0.00597; gnomAD exomes 0.00199 and 0.00516; gnomAD 0.01807 and 0.01932; ESP Exome Variant Server 0.02163; 1000 Genomes Project 30x 0.02233; 1000 Genomes Project 0.02017; TOPMed 0.02129.
gnomAD v4.1: 5,785 of 1,603,928 alleles (0.36%); highest among the groups gnomAD compares: African/African-American, 6.1%; 147 homozygotes.

Submissions (5):

Labcorp Genetics (formerly Invitae), Labcorp
Classification: Benign. Last evaluated: 2026-01-19. Review status: criteria provided, single submitter. Criteria: Invitae Variant Classification Sherloc (09022015). Collection method: clinical testing. Allele origin: germline.

Mayo Clinic Laboratories, Mayo Clinic
Classification: Benign. Last evaluated: 2025-01-20. Review status: criteria provided, single submitter. Criteria: ACMG Guidelines, 2015. Collection method: clinical testing. Allele origin: germline. Observed: 2 variant alleles.

GeneDx
Classification: Benign. Last evaluated: 2021-05-09. Review status: criteria provided, single submitter. Criteria: GeneDx Variant Classification Process June 2021. Collection method: clinical testing. Allele origin: germline. Affected: yes.

Breakthrough Genomics
Classification: Benign. Review status: criteria provided, single submitter. Criteria: ACMG Guidelines, 2015. Collection method: not provided. Allele origin: germline. Inheritance: Unknown mechanism. Affected: yes.

PreventionGenetics, part of Exact Sciences
Classification: Benign for ZNF143-related condition. Last evaluated: 2024-02-21. Review status: no assertion criteria provided. Collection method: clinical testing. Allele origin: germline. Not counted in ClinVar's aggregate classification.
Comment: This variant is classified as benign based on ACMG/AMP sequence variant interpretation guidelines (Richards et al. 2015 PMID: 25741868, with internal and published modifications).

NM_003442.6(ZNF143):c.570+5A>G

Gene: ZNF143 (zinc finger protein 143; plus strand). Cytogenetic location: 11p15.4.
Variant type: single nucleotide variant.
Coding change: c.570+5A>G on transcript NM_003442.6 (MANE Select); 5 bases into the intron after coding-DNA position 570, A replaced by G.
Molecular consequence: intron variant.
Genome position (GRCh38, 1-based): chr11:9,478,591, A>G. VCF-style: chr11-9478591-A-G. GRCh37 (hg19) VCF-style: chr11-9500138-A-G.
Other names: c.567+5A>G (NM_001282656.2); c.477+5A>G (NM_001282657.2).
Identifiers: ClinVar variation 768424 (VCV000768424.15), dbSNP rs73406269, ClinGen allele CA5879388.
Genomic context (GRCh38, chr11:9,478,591, plus strand): 5'-GGGATGCTACAATTGACCCTGACACCATCAGTGCTTTGGAACAGTATGCAGCAAAGGTAT[A>G]GCATTTCACAATGTCAAGAATGTTGCAGATATAGCTTCTTTATTTTTCATGAAAAGAAAA-3'